The following is an entry in ClinVar:

NM_000350.3(ABCA4):c.6181_6184del (p.Thr2061fs)

Gene: ABCA4 (ATP binding cassette subfamily A member 4; minus strand). Cytogenetic location: 1p22.1.
Variant type: Deletion.
Coding change: c.6181_6184del on transcript NM_000350.3 (MANE Select); coding-DNA positions 6181 to 6184, 4 bases deleted (ACTG; older notation c.6181_6184delACTG).
Protein change: p.Thr2061fs; shifts the reading frame from threonine 2061.
Molecular consequence: frameshift variant.
Genome position (GRCh38, 1-based): chr1:94,001,956-94,001,959, CAGT deleted on the plus strand (ACTG on the coding strand, the reverse complement: ABCA4 is on the minus strand); deleting any 4 consecutive bases within chr1:94,001,956-94,001,962 gives the same sequence; the c. name uses the placement nearest the transcript's 3' end. VCF-style (leftmost placement, unchanged base first): chr1-94001955-ACAGT-A. GRCh37 (hg19) VCF-style: chr1-94467511-ACAGT-A.
Other names: c.5956_5959delCTGA, p.Thr1987Serfs (NM_001425324.1); short protein forms T2061fs.
Identifiers: ClinVar variation 1435338 (VCV001435338.10), dbSNP rs1659200106, ClinGen allele CA1004544009.

ClinVar aggregate classification (germline): Pathogenic. Review status: criteria provided, multiple submitters, no conflicts (2 of 4 stars). 5 submissions from 5 submitters: Pathogenic (5). Last evaluated 2026-01-13.

Conditions:
ABCA4-related disorder. Also called: ABCA4-related disorders; ABCA4-related condition. Identifiers: MedGen CN239167.
Cone-rod dystrophy 3 (CORD3). Identifiers: Orphanet 1872, MedGen C1858806, MONDO:0011395, OMIM 604116.
Stargardt disease (FFM). Also called: Fundus flavimaculatus; Stargardt's disease. Identifiers: Orphanet 827, MedGen C0271093, MONDO:0019353.

Submissions (5):

3billion
Classification: Pathogenic for ABCA4-related disorder. Last evaluated: 2026-01-13. Review status: criteria provided, single submitter. Criteria: ACMG Guidelines, 2015. Collection method: clinical testing. Allele origin: germline. Affected: yes.
Comment: The variant is observed at an extremely low frequency in the gnomAD v4.1.0 dataset (total allele frequency: <0.001%). Predicted Consequence/Location: Frameshift: predicted to result in a loss or disruption of normal protein function through nonsense-mediated decay (NMD) or protein truncation. Multiple pathogenic variants are reported downstream of the variant. The variant has been reported at least twice as pathogenic without evidence for the classification (ClinVar ID: VCV001435338 /PMID: 30060493). Therefore, this variant is classified as Pathogenic according to the recommendation of ACMG/AMP guideline.

Department of Human Genetics, Hannover Medical School
Classification: Pathogenic for Cone-rod dystrophy 3. Last evaluated: 2024-07-30. Review status: criteria provided, single submitter. Criteria: ACMG Guidelines, 2015. Collection method: clinical testing. Allele origin: germline. Inheritance: Autosomal recessive inheritance. Affected: yes.

Women's Health and Genetics/Laboratory Corporation of America, LabCorp
Classification: Pathogenic for Stargardt disease. Last evaluated: 2023-08-23. Review status: criteria provided, single submitter. Criteria: LabCorp Variant Classification Summary - May 2015. Collection method: clinical testing. Allele origin: germline.
Comment: Variant summary: ABCA4 c.6181_6184delACTG (p.Thr2061SerfsX53) results in a premature termination codon, predicted to cause a truncation of the encoded protein or absence of the protein due to nonsense mediated decay, which are commonly known mechanisms for disease. The variant was absent in 251448 control chromosomes. c.6181_6184delACTG has been reported in the literature in individuals affected with Stargardt Disease (Sun_2021). These data do not allow any conclusion about variant significance. To our knowledge, no experimental evidence demonstrating an impact on protein function has been reported. The following publication have been ascertained in the context of this evaluation (PMID: 33301772). One submitter has cited clinical-significance assessments for this variant to ClinVar after 2014 and has classified the variant as pathogenic. Based on the evidence outlined above, the variant was classified as pathogenic.

Labcorp Genetics (formerly Invitae), Labcorp
Classification: Pathogenic. Last evaluated: 2022-12-19. Review status: criteria provided, single submitter. Criteria: Invitae Variant Classification Sherloc (09022015). Collection method: clinical testing. Allele origin: germline.
Comment: ClinVar contains an entry for this variant (Variation ID: 1435338). This premature translational stop signal has been observed in individual(s) with Stargardt disease (PMID: 29925512, 30060493). In at least one individual the data is consistent with being in trans (on the opposite chromosome) from a pathogenic variant. It has also been observed to segregate with disease in related individuals. This variant is not present in population databases (gnomAD no frequency). This sequence change creates a premature translational stop signal (p.Thr2061Serfs*53) in the ABCA4 gene. It is expected to result in an absent or disrupted protein product. Loss-of-function variants in ABCA4 are known to be pathogenic (PMID: 10958761, 24938718, 25312043, 26780318). For these reasons, this variant has been classified as Pathogenic.

Blueprint Genetics
Classification: Pathogenic for ABCA4-related disorders. Last evaluated: 2018-06-13. Review status: criteria provided, single submitter. Criteria: ACMG Guidelines, 2015. Collection method: clinical testing. Allele origin: germline. Affected: yes. Observed: 3 variant alleles.

Literature cited by the submitters: PubMed 30060493 (cited by 3billion and Labcorp Genetics (formerly Invitae), Labcorp); PubMed 33301772 (cited by Women's Health and Genetics/Laboratory Corporation of America, LabCorp); PubMed 29925512 (cited by Labcorp Genetics (formerly Invitae), Labcorp); PubMed 10958761 (cited by Labcorp Genetics (formerly Invitae), Labcorp); PubMed 24938718 (cited by Labcorp Genetics (formerly Invitae), Labcorp); PubMed 25312043 (cited by Labcorp Genetics (formerly Invitae), Labcorp); PubMed 26780318 (cited by Labcorp Genetics (formerly Invitae), Labcorp).